The following is an entry in ClinVar:

ClinVar aggregate classification (germline): Likely pathogenic (1 of 4 stars; one submission).

Conditions:
Hengel-Maroofian-Schols syndrome. Also called: NEURODEVELOPMENTAL DISORDER WITH SPASTICITY, FACIAL DYSMORPHISM, AND BRAIN ABNORMALITIES; Global developmental delay-intellectual disability-microcephaly-short stature-brain iron accumulation syndrome. Identifiers: Orphanet 697067, MedGen C5562032, MONDO:0859208, OMIM 619641.

Submission:

Variantyx, Inc.
Classification: Likely pathogenic for Hengel-Maroofian-Schols syndrome. Last evaluated: 2025-09-30. Review status: criteria provided, single submitter. Criteria: Variantyx Assertion Criteria 2022. Collection method: clinical testing. Allele origin: germline. Inheritance: Autosomal recessive inheritance. Affected: yes.
Comment: This is a frameshift variant in the BCAS3 gene (OMIM: 607470). Pathogenic variants in this gene have been associated with autosomal recessive Hengel-Maroofian-Schols syndrome. This variant introduces a premature termination codon in exon 17 out of 24 and is expected to result in loss of function, which is a known disease mechanism for BCAS3 in this disorder (PMID: 34022130) (PVS1). This variant is absent from control populations (PM2). Based on the current evidence, this variant is classified as likely pathogenic for autosomal recessive Hengel-Maroofian-Schols syndrome.

Literature cited by the submitters: PubMed 34022130.

NM_017679.5(BCAS3):c.1723del (p.Ser575fs)

Genes: BCAS3 (BCAS3 microtubule associated cell migration factor; plus strand), BCAS3-AS1 (BCAS3 antisense RNA 1; minus strand). Cytogenetic location: 17q23.2.
Variant type: Deletion.
Coding change: c.1723del on transcript NM_017679.5 (MANE Select); coding-DNA position 1723, one base deleted (T; older notation c.1723delT).
Protein change: p.Ser575fs; shifts the reading frame from serine 575.
Molecular consequence: frameshift variant. On other transcripts: non-coding transcript variant (3).
Genome position (GRCh38, 1-based): chr17:61,034,751, T deleted. VCF-style (leftmost placement, unchanged base first): chr17-61034750-GT-G. GRCh37 (hg19) VCF-style: chr17-59112111-GT-G.
Other names: c.1768del, p.Ser590fs (NM_001099432.3, NM_001330413.2, NM_001353146.2); c.1723del, p.Ser575fs (NM_001320470.3, NM_001330414.2); c.1858del, p.Ser620fs (NM_001353144.2); c.1813del, p.Ser605fs (NM_001353145.2); short protein forms S575fs, S590fs, S605fs, S620fs.
Identifiers: ClinVar variation 4850709 (VCV004850709.1).
Genomic context (GRCh38, chr17:61,034,750, plus strand): 5'-TTCACCCAGCAAATCGATGGGCGGAGAATTTTGTGTGGCTGCTATCTTCGGAACATCCAG[GT>G]CATGGTTTGCAAATAATGCAGGTCTGAAAAGAGAAAAAGGTATGTATTTTTACTGAAAAA-3'